The following is an entry in ClinVar:

NM_001384140.1(PCDH15):c.2693C>A (p.Ala898Asp)

Gene: PCDH15 (protocadherin related 15; minus strand). Cytogenetic location: 10q21.1.
Variant type: single nucleotide variant.
Coding change: c.2693C>A on transcript NM_001384140.1 (MANE Select); coding-DNA position 2693, C replaced by A.
Protein change: p.Ala898Asp; replaces alanine 898 with aspartic acid.
Molecular consequence: missense variant.
Genome position (GRCh38, 1-based): chr10:54,020,250, G>T on the plus strand (C>A on the coding strand, the complement: PCDH15 is on the minus strand). VCF-style: chr10-54020250-G-T. GRCh37 (hg19) VCF-style: chr10-55780010-G-T.
Other names: c.2708C>A, p.Ala903Asp (NM_001142763.2, NM_001142771.2); c.2693C>A, p.Ala898Asp (NM_001142764.2, NM_001142766.2, NM_001142770.3 and 5 more transcripts); c.2480C>A, p.Ala827Asp (NM_001142765.2); c.2582C>A, p.Ala861Asp (NM_001142767.2); c.2627C>A, p.Ala876Asp (NM_001142768.2, NM_001142773.2, NM_001354404.2); c.2729C>A, p.Ala910Asp (NM_001142769.4); c.2714C>A, p.Ala905Asp (NM_001354411.2); short protein forms A827D, A861D, A876D, A898D, A903D, A905D, A910D.
Identifiers: ClinVar variation 3236334 (VCV003236334.4), dbSNP rs762905705, ClinGen allele CA5505961.

ClinVar aggregate classification (germline): Uncertain significance. Review status: criteria provided, multiple submitters, no conflicts (2 of 4 stars). 3 submissions from 3 submitters: Uncertain significance (2). 1 of the submissions does not count toward it. Last evaluated 2026-07-14.

Conditions:
Usher syndrome type 1F (USH1F). Also called: USHER SYNDROME, TYPE IF. Identifiers: Orphanet 231169, Orphanet 886, MedGen C1865885, MONDO:0011186, OMIM 602083.
Autosomal recessive nonsyndromic hearing loss 23. Identifiers: Orphanet 90636, MedGen C1836027, MONDO:0012293, OMIM 609533.

gnomAD v4.1: 3 of 1,613,678 alleles (0.00019%); highest among the groups gnomAD compares: South Asian, 0.0011%; no homozygotes.

Submissions (3):

Myriad Genetics, Inc.
Classification: Uncertain significance for Usher syndrome type 1F. Last evaluated: 2026-07-14. Review status: criteria provided, single submitter. Criteria: Myriad Autosomal Dominant, Autosomal Recessive and X-Linked Classification Criteria (2023). Collection method: clinical testing. Allele origin: unknown.
Comment: NM_033056.3(PCDH15):c.2693C>A(A898D) is a missense variant classified as a variant of uncertain significance in the context of PCDH15-related disorders. A898D has been observed in cases with relevant disease (PMID: 35779349, 39107234). Relevant functional assessments of this variant are not available in the literature. A898D has been observed in referenced population frequency databases. In summary, there is insufficient evidence to classify NM_033056.3(PCDH15):c.2693C>A(A898D) as pathogenic or benign. Please note: this variant was assessed in the context of healthy population screening.

Clinical Genetics Laboratory, Skane University Hospital Lund
Classification: Uncertain significance. Last evaluated: 2022-06-30. Review status: criteria provided, single submitter. Criteria: ACMG Guidelines, 2015. Collection method: clinical testing. Allele origin: germline. Affected: yes.

Dr.Nikuei Genetic Center
Classification: Pathogenic for Autosomal recessive nonsyndromic hearing loss 23. Review status: no assertion criteria provided. Collection method: clinical testing. Allele origin: germline. Inheritance: Autosomal recessive inheritance. Affected: yes. Observed: 1 homozygote. Not counted in ClinVar's aggregate classification.

Literature cited by the submitters: PubMed 35779349 (cited by Myriad Genetics, Inc.); PubMed 39107234 (cited by Myriad Genetics, Inc.).